The following is an entry in ClinVar:

NM_001256789.3(CACNA1F):c.4781T>A (p.Leu1594Gln)

Genes: CACNA1F (calcium voltage-gated channel subunit alpha1 F; minus strand), LOC126863257 (BRD4-independent group 4 enhancer GRCh37_chrX:49065732-49066931; plus strand). Cytogenetic location: Xp11.23.
Variant type: single nucleotide variant.
Coding change: c.4781T>A on transcript NM_001256789.3 (MANE Select); coding-DNA position 4781, T replaced by A.
Protein change: p.Leu1594Gln; replaces leucine 1594 with glutamine.
Molecular consequence: missense variant.
Genome position (GRCh38, 1-based): chrX:49,209,669, A>T on the plus strand (T>A on the coding strand, the complement: CACNA1F is on the minus strand). VCF-style: chrX-49209669-A-T. GRCh37 (hg19) VCF-style: chrX-49066129-A-T.
Other names: c.4619T>A, p.Leu1540Gln (NM_001256790.3); c.4814T>A, p.Leu1605Gln (NM_005183.4); short protein forms L1540Q, L1594Q, L1605Q.
Identifiers: ClinVar variation 1062747 (VCV001062747.10), dbSNP rs2147894794, ClinGen allele CA412960226.

ClinVar aggregate classification (germline): Uncertain significance. Review status: criteria provided, multiple submitters, no conflicts (2 of 4 stars). 2 submissions from 2 submitters: Uncertain significance (2). Last evaluated 2022-08-23.

gnomAD v4.1: 11 of 1,211,081 alleles (0.00091%); highest among the groups gnomAD compares: Non-Finnish European, 0.0012%; no homozygotes.

Submissions (2):

Labcorp Genetics (formerly Invitae), Labcorp
Classification: Uncertain significance. Last evaluated: 2022-08-23. Review status: criteria provided, single submitter. Criteria: Invitae Variant Classification Sherloc (09022015). Collection method: clinical testing. Allele origin: germline.
Comment: In summary, the available evidence is currently insufficient to determine the role of this variant in disease. Therefore, it has been classified as a Variant of Uncertain Significance. ClinVar contains an entry for this variant (Variation ID: 1062747). Algorithms developed to predict the effect of missense changes on protein structure and function are either unavailable or do not agree on the potential impact of this missense change (SIFT: "Deleterious"; PolyPhen-2: "Possibly Damaging"; Align-GVGD: "Class C0"). Algorithms developed to predict the effect of sequence changes on RNA splicing suggest that this variant may create or strengthen a splice site. This variant has not been reported in the literature in individuals affected with CACNA1F-related conditions. This variant is not present in population databases (gnomAD no frequency). This sequence change replaces leucine, which is neutral and non-polar, with glutamine, which is neutral and polar, at codon 1605 of the CACNA1F protein (p.Leu1605Gln).

Blueprint Genetics
Classification: Uncertain significance. Last evaluated: 2021-08-24. Review status: criteria provided, single submitter. Criteria: ACMG Guidelines, 2015. Collection method: clinical testing. Allele origin: germline.